The following is an entry in ClinVar:

NM_058246.4(DNAJB6):c.*514G>A

Gene: DNAJB6 (DnaJ heat shock protein family (Hsp40) member B6; plus strand). Cytogenetic location: 7q36.3.
Variant type: single nucleotide variant.
Coding change: c.*514G>A on transcript NM_058246.4 (MANE Select); 514 bases downstream of the stop codon, G replaced by A.
Molecular consequence: 3 prime UTR variant.
Genome position (GRCh38, 1-based): chr7:157,416,612, G>A. VCF-style: chr7-157416612-G-A. GRCh37 (hg19) VCF-style: chr7-157209306-G-A.
Other names: c.*514G>A (NM_001363676.1).
Identifiers: ClinVar variation 359465 (VCV000359465.7), dbSNP rs17837760, ClinGen allele CA10628672.

ClinVar aggregate classification (germline): Benign/Likely benign. Review status: criteria provided, multiple submitters, no conflicts (2 of 4 stars). 2 submissions from 2 submitters: Benign (1); Likely benign (1). Last evaluated 2021-10-17.

Conditions:
Autosomal dominant limb-girdle muscular dystrophy type 1D (DNAJB6) (LGMDD1). Also called: MUSCULAR DYSTROPHY, LIMB-GIRDLE, TYPE 1D; MUSCULAR DYSTROPHY, AUTOSOMAL DOMINANT, WITH RIMMED VACUOLES; Autosomal dominant limb-girdle muscular dystrophy type 1D; Muscular dystrophy, limb-girdle, autosomal dominant 1. Identifiers: Orphanet 34516, MedGen C4721885, MONDO:0021018, OMIM 603511.

Allele frequency attached by ClinVar (database versions not stated): gnomAD exomes 0.00116; 1000 Genomes Project 30x 0.01062; 1000 Genomes Project 0.01078; gnomAD 0.01217 and 0.01319; TOPMed 0.01354.
gnomAD v4.1: 1,836 of 153,252 alleles (1.2%); highest among the groups gnomAD compares: African/African-American, 4.2%; 43 homozygotes.

Submissions (2):

GeneDx
Classification: Likely benign. Last evaluated: 2021-10-17. Review status: criteria provided, single submitter. Criteria: GeneDx Variant Classification Process June 2021. Collection method: clinical testing. Allele origin: germline. Affected: yes.

Illumina Laboratory Services, Illumina
Classification: Benign for Autosomal dominant limb-girdle muscular dystrophy type 1D (DNAJB6). Last evaluated: 2018-01-13. Review status: criteria provided, single submitter. Criteria: ICSL Variant Classification Criteria 13 December 2019. Collection method: clinical testing. Allele origin: germline.
Comment: This variant was observed in the ICSL laboratory as part of a predisposition screen in an ostensibly healthy population. It had not been previously curated by ICSL or reported in the Human Gene Mutation Database (HGMD: prior to June 1st, 2018), and was therefore a candidate for classification through an automated scoring system. Utilizing variant allele frequency, disease prevalence and penetrance estimates, and inheritance mode, an automated score was calculated to assess if this variant is too frequent to cause the disease. Based on the score and internal cut-off values, a variant classified as benign is not then subjected to further curation. The score for this variant resulted in a classification of benign for this disease.